The following is an entry in ClinVar:

ClinVar aggregate classification (germline): Uncertain significance (1 of 4 stars; one submission).

Conditions:
Familial thoracic aortic aneurysm and aortic dissection (TAAD). Also called: Thoracic aortic aneurysms and dissections. Identifiers: Orphanet 91387, MedGen C4707243, MONDO:0019625.

Submission:

Color Diagnostics, LLC DBA Color Health
Classification: Uncertain significance for Familial thoracic aortic aneurysm and aortic dissection. Last evaluated: 2019-10-30. Review status: criteria provided, single submitter. Criteria: ACMG Guidelines, 2015. Collection method: clinical testing. Allele origin: germline.
Comment: This synonymous variant does not change the amino acid sequence of the MYH11 protein. However, splice prediction tools suggest that this variant may disrupt RNA splicing. To our knowledge, functional studies have not been performed for this variant. This variant has not been reported in individuals affected with cardiovascular disorders in the literature. This variant has not been identified in the general population by the Genome Aggregation Database (gnomAD). The available evidence is insufficient to determine the role of this variant in disease conclusively. Therefore, this variant is classified as a Variant of Uncertain Significance.

NM_002474.3(MYH11):c.1128A>C (p.Thr376=)

Gene: MYH11 (myosin heavy chain 11; minus strand). Cytogenetic location: 16p13.11.
Variant type: single nucleotide variant.
Coding change: c.1128A>C on transcript NM_002474.3 (MANE Select); coding-DNA position 1128, A replaced by C.
Protein change: p.Thr376=; no amino-acid change (threonine 376 retained).
Molecular consequence: synonymous variant.
Genome position (GRCh38, 1-based): chr16:15,763,797, T>G on the plus strand (A>C on the coding strand, the complement: MYH11 is on the minus strand). VCF-style: chr16-15763797-T-G. GRCh37 (hg19) VCF-style: chr16-15857654-T-G.
Other names: c.1149A>C, p.Thr383= (NM_001040113.2, NM_001040114.2); c.1128A>C, p.Thr376= (NM_022844.3).
Identifiers: ClinVar variation 919719 (VCV000919719.3), dbSNP rs2041921276, ClinGen allele CA493768029.